The following is an entry in ClinVar:

NM_000264.5(PTCH1):c.1943A>G (p.His648Arg)

Genes: PTCH1 (patched 1; minus strand), LOC100507346 (uncharacterized LOC100507346; plus strand). Cytogenetic location: 9q22.32.
Variant type: single nucleotide variant.
Coding change: c.1943A>G on transcript NM_000264.5 (MANE Select); coding-DNA position 1943, A replaced by G.
Protein change: p.His648Arg; replaces histidine 648 with arginine.
Molecular consequence: missense variant. On other transcripts: non-coding transcript variant (2).
Genome position (GRCh38, 1-based): chr9:95,469,058, T>C on the plus strand (A>G on the coding strand, the complement: PTCH1 is on the minus strand). VCF-style: chr9-95469058-T-C. GRCh37 (hg19) VCF-style: chr9-98231340-T-C.
Other names: c.1745A>G, p.His582Arg (NM_001083602.3); c.1940A>G, p.His647Arg (NM_001083603.3); c.1490A>G, p.His497Arg (NM_001083604.3, NM_001083605.3, NM_001083606.3 and 1 more transcripts); c.1787A>G, p.His596Arg (NM_001354918.2); short protein forms H497R, H582R, H596R, H648R, H647R.
Identifiers: ClinVar variation 2800503 (VCV002800503.4), dbSNP rs1402828019, ClinGen allele CA374115995.

ClinVar aggregate classification (germline): Uncertain significance. Review status: criteria provided, multiple submitters, no conflicts (2 of 4 stars). 2 submissions from 2 submitters: Uncertain significance (2). Last evaluated 2025-12-29.

Conditions:
Gorlin syndrome. Also called: Basal cell nevus syndrome; Nevoid Basal Cell Carcinoma Syndrome. Identifiers: Orphanet 377, MedGen C0004779, MONDO:0007187.

Submissions (2):

Center for Genomic Medicine, Rigshospitalet, Copenhagen University Hospital
Classification: Uncertain significance. Last evaluated: 2025-12-29. Review status: criteria provided, single submitter. Criteria: ACMG Guidelines, 2015. Collection method: clinical testing. Allele origin: germline.

Labcorp Genetics (formerly Invitae), Labcorp
Classification: Uncertain significance for Gorlin syndrome. Last evaluated: 2025-09-07. Review status: criteria provided, single submitter. Criteria: Invitae Variant Classification Sherloc (09022015). Collection method: clinical testing. Allele origin: germline.
Comment: This sequence change replaces histidine, which is basic and polar, with arginine, which is basic and polar, at codon 648 of the PTCH1 protein (p.His648Arg). This variant is not present in population databases (gnomAD no frequency). This variant has not been reported in the literature in individuals affected with PTCH1-related conditions. ClinVar contains an entry for this variant (Variation ID: 2800503). Invitae Evidence Modeling of protein sequence and biophysical properties (such as structural, functional, and spatial information, amino acid conservation, physicochemical variation, residue mobility, and thermodynamic stability) indicates that this missense variant is not expected to disrupt PTCH1 protein function with a negative predictive value of 95%. In summary, the available evidence is currently insufficient to determine the role of this variant in disease. Therefore, it has been classified as a Variant of Uncertain Significance.